The following is an entry in ClinVar:

NM_000545.8(HNF1A):c.485T>C (p.Leu162Pro)

Gene: HNF1A (HNF1 homeobox A; plus strand). Cytogenetic location: 12q24.31.
Variant type: single nucleotide variant.
Coding change: c.485T>C on transcript NM_000545.8 (MANE Select); coding-DNA position 485, T replaced by C.
Protein change: p.Leu162Pro; replaces leucine 162 with proline.
Molecular consequence: missense variant.
Genome position (GRCh38, 1-based): chr12:120,988,991, T>C. VCF-style: chr12-120988991-T-C. GRCh37 (hg19) VCF-style: chr12-121426794-T-C.
Other names: NM_000545.8(HNF1A):c.485T>C; p.Leu162Pro; c.485T>C, p.Leu162Pro (NM_001306179.2); short protein forms L162P.
Identifiers: ClinVar variation 447490 (VCV000447490.6), dbSNP rs1555211434, ClinGen allele CA386960483.

ClinVar aggregate classification (germline): Likely pathogenic. Review status: reviewed by expert panel (3 of 4 stars). 3 submissions from 3 submitters: Likely pathogenic (1). 2 of the submissions do not count toward it. Last evaluated 2025-06-27.

Conditions:
Monogenic diabetes. Identifiers: Orphanet 183625, MedGen C3888631, MONDO:0015967.
Maturity-onset diabetes of the young (MODY). Also called: Maturity onset diabetes mellitus in young. Identifiers: Orphanet 552, MedGen C0342276, MONDO:0018911, HP:0004904.

Submissions (3):

ClinGen Monogenic Diabetes Variant Curation Expert Panel
Classification: Likely pathogenic for Monogenic diabetes. Last evaluated: 2025-06-27. Review status: reviewed by expert panel. Criteria: ClinGen Diabetes ACMG Specifications HNF1A V2.1.0. Collection method: curation. Allele origin: germline. Inheritance: Autosomal dominant inheritance.
Comment: The c.485T>C variant in the HNF1 homeobox A gene, HNF1A, causes an amino acid change of leucine to proline at codon 162 (p.(Leu162Pro)) of NM_000545.8. This variant is located within a conserved region of the DNA binding domain (codons 107-174 and 201-280) of HNF1A, which is defined as critical for the protein’s function by the ClinGen MDEP (PM1_Supporting). This variant is absent from gnomAD v2.1.1 and v4.1.0 (PM2_Supporting). This variant is predicted to be deleterious by computational evidence, with a REVEL score of 0.987, which is greater than the MDEP threshold of 0.70 (PP3). This variant was identified in an individual with a clinical history highly specific for HNF1A-MODY (MODY probability calculator result >50%, negative genetic testing for HNF4A, and persistent C-peptide) (PP4_Moderate; internal lab contributors). This variant was identified in four unrelated individuals with non-autoimmune and non-absolute/near-absolute insulin-deficient diabetes (PS4_Moderate; PMID: 21224407, 29927023; internal lab contributors). In summary, c.485T>C meets the criteria to be classified as likely pathogenic for monogenic diabetes. ACMG/AMP criteria applied, as specified by the ClinGen MDEP (specification version 2.1.0, approved 8/11/23): PP3, PM1_Supporting, PM2_supporting, PP4_Moderate, PS4_Moderate.

Athena Diagnostics
Classification: Uncertain significance. Last evaluated: 2016-11-14. Review status: criteria provided, single submitter. Criteria: Athena Diagnostics Criteria. Collection method: clinical testing. Allele origin: germline. Not counted in ClinVar's aggregate classification.

Clinical Genomics, Uppaluri K&H Personalized Medicine Clinic
Classification: Likely risk allele for Maturity-onset diabetes of the young. Review status: criteria provided, single submitter. Criteria: K & H Uppaluri Personalized Medicine Clinic Variant Classification & Assertion Criteria_Updated V.1. Collection method: research. Allele origin: unknown. Inheritance: Autosomal dominant inheritance. Not counted in ClinVar's aggregate classification.
Comment: Mutations in HNF1A gene can predispose to MODY3. It is associated with both micro and macrovascular complications of diabetes, especially cardiovascular complications. Associated with glucosuria. May respond well to sulfonylureas. However, more evidence is required to confer the association of this particular variant rs1555211434 with MODY3.

Literature cited by the submitters: PubMed 21224407 (cited by ClinGen Monogenic Diabetes Variant Curation Expert Panel and Athena Diagnostics); PubMed 29927023 (cited by ClinGen Monogenic Diabetes Variant Curation Expert Panel); PubMed 31517624 (cited by Clinical Genomics, Uppaluri K&H Personalized Medicine Clinic); PubMed 35328643 (cited by Clinical Genomics, Uppaluri K&H Personalized Medicine Clinic); PubMed 32395877 (cited by Clinical Genomics, Uppaluri K&H Personalized Medicine Clinic); PubMed 35673428 (cited by Clinical Genomics, Uppaluri K&H Personalized Medicine Clinic).